The following is an entry in ClinVar:

NM_004168.4(SDHA):c.1432+7G>C

Gene: SDHA (succinate dehydrogenase complex flavoprotein subunit A; plus strand). Cytogenetic location: 5p15.33.
Variant type: single nucleotide variant.
Coding change: c.1432+7G>C on transcript NM_004168.4 (MANE Select); 7 bases into the intron after coding-DNA position 1432, G replaced by C.
Molecular consequence: intron variant.
Genome position (GRCh38, 1-based): chr5:236,606, G>C. VCF-style: chr5-236606-G-C. GRCh37 (hg19) VCF-style: chr5-236721-G-C.
Other names: c.1432+7G>C (NM_001330758.2); c.1288+7G>C (NM_001294332.2).
Identifiers: ClinVar variation 239649 (VCV000239649.16), dbSNP rs760526397, ClinGen allele CA3173229.

ClinVar aggregate classification (germline): Likely benign. Review status: criteria provided, multiple submitters, no conflicts (2 of 4 stars). 4 submissions from 4 submitters: Likely benign (3). 1 of the submissions does not count toward it. Last evaluated 2026-01-31.

Conditions:
Mitochondrial complex II deficiency, nuclear type 1. Also called: SUCCINATE CoQ REDUCTASE DEFICIENCY. Identifiers: Orphanet 3208, MedGen C5700310, MONDO:0100294, OMIM 252011.
Pheochromocytoma/paraganglioma syndrome 5. Also called: Paragangliomas 5; SDHA-Related Hereditary Paraganglioma-Pheochromocytoma Syndrome. Identifiers: Orphanet 29072, MedGen C3279992, MONDO:0013602, OMIM 614165.

Allele frequency attached by ClinVar (database versions not stated): ExAC 0.00002; gnomAD exomes 0.00002 and 0.00005; gnomAD 0.00003 and 0.00004; TOPMed 0.00003.
gnomAD v4.1: 81 of 1,613,412 alleles (0.005%); highest among the groups gnomAD compares: Non-Finnish European, 0.0064%; no homozygotes.

Submissions (4):

Labcorp Genetics (formerly Invitae), Labcorp
Classification: Likely benign for Pheochromocytoma/paraganglioma syndrome 5; Mitochondrial complex II deficiency, nuclear type 1. Last evaluated: 2026-01-31. Review status: criteria provided, single submitter. Criteria: Invitae Variant Classification Sherloc (09022015). Collection method: clinical testing. Allele origin: germline.

Quest Diagnostics Nichols Institute San Juan Capistrano
Classification: Likely benign. Last evaluated: 2025-03-12. Review status: criteria provided, single submitter. Criteria: Quest Diagnostics criteria. Collection method: clinical testing. Allele origin: unknown.

Myriad Genetics, Inc.
Classification: Likely benign for Pheochromocytoma/paraganglioma syndrome 5. Last evaluated: 2023-04-21. Review status: criteria provided, single submitter. Criteria: Myriad Autosomal Dominant, Autosomal Recessive and X-Linked Classification Criteria (2023). Collection method: clinical testing. Allele origin: unknown.
Comment: This variant is considered likely benign. This variant is intronic and is not expected to impact mRNA splicing.

Counsyl
Classification: Likely benign for Pheochromocytoma/paraganglioma syndrome 5. Last evaluated: 2017-09-01. Review status: no assertion criteria provided. Collection method: clinical testing. Allele origin: unknown. Not counted in ClinVar's aggregate classification.